The following is an entry in ClinVar:

NM_001845.6(COL4A1):c.2314A>T (p.Ile772Phe)

Gene: COL4A1 (collagen type IV alpha 1 chain; minus strand). Cytogenetic location: 13q34.
Variant type: single nucleotide variant.
Coding change: c.2314A>T on transcript NM_001845.6 (MANE Select); coding-DNA position 2314, A replaced by T.
Protein change: p.Ile772Phe; replaces isoleucine 772 with phenylalanine.
Molecular consequence: missense variant.
Genome position (GRCh38, 1-based): chr13:110,179,301, T>A on the plus strand (A>T on the coding strand, the complement: COL4A1 is on the minus strand). VCF-style: chr13-110179301-T-A. GRCh37 (hg19) VCF-style: chr13-110831648-T-A.
Other names: short protein forms I772F.
Identifiers: ClinVar variation 1433087 (VCV001433087.14), dbSNP rs755499333, ClinGen allele CA7047642.

ClinVar aggregate classification (germline): Uncertain significance. Review status: criteria provided, multiple submitters, no conflicts (2 of 4 stars). 3 submissions from 3 submitters: Uncertain significance (3). Last evaluated 2025-11-19.

Conditions:
Microangiopathy and leukoencephalopathy, pontine, autosomal dominant. Also called: Pontine autosomal dominant microangiopathy with leukoencephalopathy; DEMENTIA, HEREDITARY MULTI-INFARCT, SWEDISH TYPE. Identifiers: Orphanet 477749, MedGen C5231411, MONDO:0032814, OMIM 618564.
Autosomal dominant familial hematuria-retinal arteriolar tortuosity-contractures syndrome. Also called: Hereditary Angiopathy with Nephropathy, Aneurysms, and Muscle Cramps (HANAC) Syndrome; Angiopathy, hereditary, with nephropathy, aneurysms, and muscle cramps. Identifiers: Orphanet 73229, MedGen C2673195, MONDO:0012726, OMIM 611773.
Brain small vessel disease 1 with or without ocular anomalies (BSVD1). Also called: GOULD SYNDROME 1; Brain small vessel disease with or without ocular anomalies; BRAIN SMALL VESSEL DISEASE WITH HEMORRHAGE; PORENCEPHALY, TYPE 1, AUTOSOMAL DOMINANT. Identifiers: Orphanet 2940, Orphanet 36383, Orphanet 99810, MedGen C4755307, MONDO:0008289, OMIM 175780.
Hemorrhage, intracerebral, susceptibility to (ICH). Also called: Stroke, hemorrhagic, susceptibility to. Identifiers: MedGen C3281105, MONDO:0100533, OMIM 614519.
Retinal arterial tortuosity. Also called: Retinal arteries, tortuosity of; RETINAL HEMORRHAGE WITH VASCULAR TORTUOSITY. Identifiers: Orphanet 75326, MedGen C0423401, MONDO:0008373, OMIM 180000, HP:0000631.

Allele frequency attached by ClinVar (database versions not stated): gnomAD 0.00001; ExAC 0.00003; gnomAD exomes 0.00004; TOPMed 0.00004.
gnomAD v4.1: 14 of 1,613,984 alleles (0.00087%); highest among the groups gnomAD compares: Admixed American, 0.023%; no homozygotes.

Submissions (3):

Labcorp Genetics (formerly Invitae), Labcorp
Classification: Uncertain significance. Last evaluated: 2025-11-19. Review status: criteria provided, single submitter. Criteria: Invitae Variant Classification Sherloc (09022015). Collection method: clinical testing. Allele origin: germline.
Comment: This sequence change replaces isoleucine, which is neutral and non-polar, with phenylalanine, which is neutral and non-polar, at codon 772 of the COL4A1 protein (p.Ile772Phe). This variant is present in population databases (rs755499333, gnomAD 0.03%). This variant has not been reported in the literature in individuals affected with COL4A1-related conditions. ClinVar contains an entry for this variant (Variation ID: 1433087). Invitae Evidence Modeling of protein sequence and biophysical properties (such as structural, functional, and spatial information, amino acid conservation, physicochemical variation, residue mobility, and thermodynamic stability) indicates that this missense variant is not expected to disrupt COL4A1 protein function with a negative predictive value of 95%. In summary, the available evidence is currently insufficient to determine the role of this variant in disease. Therefore, it has been classified as a Variant of Uncertain Significance.

CeGaT Center for Human Genetics Tuebingen
Classification: Uncertain significance. Last evaluated: 2025-11-01. Review status: criteria provided, single submitter. Criteria: CeGaT Center For Human Genetics Tuebingen Variant Classification Criteria Version 2. Collection method: clinical testing. Allele origin: germline. Affected: yes. Observed: 1 variant allele.

Fulgent Genetics
Classification: Uncertain significance for Brain small vessel disease 1 with or without ocular anomalies; Retinal arterial tortuosity; Autosomal dominant familial hematuria-retinal arteriolar tortuosity-contractures syndrome; Hemorrhage, intracerebral, susceptibility to; Microangiopathy and leukoencephalopathy, pontine, autosomal dominant. Last evaluated: 2024-06-05. Review status: criteria provided, single submitter. Criteria: ACMG Guidelines, 2015. Collection method: clinical testing. Allele origin: germline.